The following is an entry in ClinVar:

ClinVar aggregate classification (germline): Uncertain significance. Review status: criteria provided, multiple submitters, no conflicts (2 of 4 stars). 3 submissions from 3 submitters: Uncertain significance (3). Last evaluated 2025-08-02.

Conditions:
Hereditary cancer-predisposing syndrome. Also called: Hereditary Cancer Syndrome; Hereditary neoplastic syndrome; Neoplastic Syndromes, Hereditary; Tumor predisposition. Identifiers: Orphanet 140162, MedGen C0027672, MeSH D009386, MONDO:0015356.
Renal cell carcinoma. Identifiers: Orphanet 217071, MedGen C0007134, MeSH D002292, MONDO:0005086, HP:0005584.

Submissions (3):

Ambry Genetics
Classification: Uncertain significance for Hereditary cancer-predisposing syndrome. Last evaluated: 2025-08-02. Review status: criteria provided, single submitter. Criteria: Ambry Variant Classification Scheme 2023. Collection method: clinical testing. Allele origin: germline.
Comment: The p.T936I variant (also known as c.2807C>T), located in coding exon 12 of the MET gene, results from a C to T substitution at nucleotide position 2807. The threonine at codon 936 is replaced by isoleucine, an amino acid with similar properties. This amino acid position is conserved. In addition, this alteration is predicted to be tolerated by in silico analysis. Based on the available evidence, the clinical significance of this variant remains unclear.

Labcorp Genetics (formerly Invitae), Labcorp
Classification: Uncertain significance for Renal cell carcinoma. Last evaluated: 2024-04-22. Review status: criteria provided, single submitter. Criteria: Invitae Variant Classification Sherloc (09022015). Collection method: clinical testing. Allele origin: germline.
Comment: This sequence change replaces threonine, which is neutral and polar, with isoleucine, which is neutral and non-polar, at codon 936 of the MET protein (p.Thr936Ile). This variant is not present in population databases (gnomAD no frequency). This variant has not been reported in the literature in individuals affected with MET-related conditions. An algorithm developed to predict the effect of missense changes on protein structure and function (PolyPhen-2) suggests that this variant is likely to be disruptive. In summary, the available evidence is currently insufficient to determine the role of this variant in disease. Therefore, it has been classified as a Variant of Uncertain Significance.

Blueprint Genetics
Classification: Uncertain significance. Last evaluated: 2023-03-31. Review status: criteria provided, single submitter. Criteria: ACMG Guidelines, 2015. Collection method: clinical testing. Allele origin: germline.

NM_000245.4(MET):c.2753C>T (p.Thr918Ile)

Gene: MET (MET proto-oncogene, receptor tyrosine kinase; plus strand). Cytogenetic location: 7q31.2.
Variant type: single nucleotide variant.
Coding change: c.2753C>T on transcript NM_000245.4 (MANE Select); coding-DNA position 2753, C replaced by T.
Protein change: p.Thr918Ile; replaces threonine 918 with isoleucine.
Molecular consequence: missense variant.
Genome position (GRCh38, 1-based): chr7:116,771,520, C>T. VCF-style: chr7-116771520-C-T. GRCh37 (hg19) VCF-style: chr7-116411574-C-T.
Other names: c.2807C>T, p.Thr936Ile (NM_001127500.3); c.1463C>T, p.Thr488Ile (NM_001324402.2); short protein forms T936I, T488I, T918I.
Identifiers: ClinVar variation 3650501 (VCV003650501.4).